The following is an entry in ClinVar:

ClinVar aggregate classification (germline): Likely benign (1 of 4 stars; one submission).

gnomAD v4.1: 3 of 1,611,760 alleles (0.00019%); highest among the groups gnomAD compares: Non-Finnish European, 0.00025%; no homozygotes.

Submission:

GeneDx
Classification: Likely benign. Last evaluated: 2018-05-30. Review status: criteria provided, single submitter. Criteria: GeneDx Variant Classification (06012015). Collection method: clinical testing. Allele origin: germline. Affected: yes.
Comment: This variant is considered likely benign or benign based on one or more of the following criteria: it is a conservative change, it occurs at a poorly conserved position in the protein, it is predicted to be benign by multiple in silico algorithms, and/or has population frequency not consistent with disease.

NM_001267550.2(TTN):c.33188T>A (p.Val11063Asp)

Gene: TTN (titin; minus strand). Cytogenetic location: 2q31.2.
Variant type: single nucleotide variant.
Coding change: c.33188T>A on transcript NM_001267550.2 (MANE Select); coding-DNA position 33188, T replaced by A.
Protein change: p.Val11063Asp; replaces valine 11063 with aspartic acid.
Molecular consequence: missense variant. On other transcripts: intron variant (3).
Genome position (GRCh38, 1-based): chr2:178,681,435, A>T on the plus strand (T>A on the coding strand, the complement: TTN is on the minus strand). VCF-style: chr2-178681435-A-T. GRCh37 (hg19) VCF-style: chr2-179546162-A-T.
Other names: c.32237T>A, p.Val10746Asp (NM_001256850.1); c.29456T>A, p.Val9819Asp (NM_133378.4); c.13283-39118T>A (NM_003319.4); c.13859-39118T>A (NM_133437.4); c.13658-39118T>A (NM_133432.3); short protein forms V11063D, V10746D, V9819D.
Identifiers: ClinVar variation 669074 (VCV000669074.1), dbSNP rs929133857, ClinGen allele CA349539696.